The following is an entry in ClinVar:

ClinVar aggregate classification (germline): Pathogenic (1 of 4 stars; one submission).

Submission:

Labcorp Genetics (formerly Invitae), Labcorp
Classification: Pathogenic. Last evaluated: 2020-03-08. Review status: criteria provided, single submitter. Criteria: Invitae Variant Classification Sherloc (09022015). Collection method: clinical testing. Allele origin: germline.
Comment: This variant is not present in population databases (ExAC no frequency). For these reasons, this variant has been classified as Pathogenic. Loss-of-function variants in MSH3 are known to be pathogenic (PMID: 27476653). This variant has not been reported in the literature in individuals with MSH3-related conditions. This sequence change creates a premature translational stop signal (p.Arg855Lysfs*13) in the MSH3 gene. It is expected to result in an absent or disrupted protein product.

Literature cited by the submitters: PubMed 27476653.

NM_002439.5(MSH3):c.2564_2565del (p.Arg855fs)

Gene: MSH3 (mutS homolog 3; plus strand). Cytogenetic location: 5q14.1.
Variant type: Deletion.
Coding change: c.2564_2565del on transcript NM_002439.5 (MANE Select); coding-DNA positions 2564 to 2565, 2 bases deleted (GA; older notation c.2564_2565delGA).
Protein change: p.Arg855fs; shifts the reading frame from arginine 855.
Molecular consequence: frameshift variant.
Genome position (GRCh38, 1-based): chr5:80,792,753-80,792,754, GA deleted; deleting any 2 consecutive bases within chr5:80,792,752-80,792,754 gives the same sequence; the c. name uses the placement nearest the transcript's 3' end. VCF-style (leftmost placement, unchanged base first): chr5-80792751-AAG-A. GRCh37 (hg19) VCF-style: chr5-80088570-AAG-A.
Other names: short protein forms R855fs.
Identifiers: ClinVar variation 1069524 (VCV001069524.7), dbSNP rs2112026672, ClinGen allele CA2499217956.